The following is an entry in ClinVar:

ClinVar aggregate classification (germline): Likely pathogenic (1 of 4 stars; one submission).

Conditions:
Lamellar ichthyosis. Identifiers: Orphanet 313, MedGen C5848247, MONDO:0017778.

Allele frequency attached by ClinVar (database versions not stated): gnomAD exomes below 0.00001.

Submission:

Women's Health and Genetics/Laboratory Corporation of America, LabCorp
Classification: Likely pathogenic for Lamellar ichthyosis. Last evaluated: 2022-10-03. Review status: criteria provided, single submitter. Criteria: LabCorp Variant Classification Summary - May 2015. Collection method: clinical testing. Allele origin: germline.
Comment: Variant summary: CYP4F22 c.759_760delCA (p.Ile254LeufsX15) results in a premature termination codon, predicted to cause a truncation of the encoded protein or absence of the protein due to nonsense mediated decay, which are commonly known mechanisms for disease. The variant was absent in 251448 control chromosomes (gnomAD). To our knowledge, no occurrence of c.759_760delCA in individuals affected with Lamellar Ichthyosis and no experimental evidence demonstrating its impact on protein function have been reported. No clinical diagnostic laboratories have submitted clinical-significance assessments for this variant to ClinVar after 2014. Based on the evidence outlined above, the variant was classified as likely pathogenic.

NM_173483.4(CYP4F22):c.759_760del (p.Ile254fs)

Gene: CYP4F22 (cytochrome P450 family 4 subfamily F member 22; plus strand). Cytogenetic location: 19p13.12.
Variant type: Deletion.
Coding change: c.759_760del on transcript NM_173483.4 (MANE Select); coding-DNA positions 759 to 760, 2 bases deleted (CA; older notation c.759_760delCA).
Protein change: p.Ile254fs; shifts the reading frame from isoleucine 254.
Molecular consequence: frameshift variant.
Genome position (GRCh38, 1-based): chr19:15,540,537-15,540,538, CA deleted. VCF-style (leftmost placement, unchanged base first): chr19-15540536-TCA-T. GRCh37 (hg19) VCF-style: chr19-15651347-TCA-T.
Other names: short protein forms I254fs.
Identifiers: ClinVar variation 1723432 (VCV001723432.1), dbSNP rs1971446149, ClinGen allele CA2324927329.